The following is an entry in ClinVar:

ClinVar aggregate classification (germline): Likely benign (1 of 4 stars; one submission).

Conditions:
Retinitis pigmentosa (RP). Identifiers: Orphanet 791, MedGen C0035334, MeSH D012174, MONDO:0019200, OMIM 268000. Inheritance: Autosomal dominant, autosomal recessive and X linked inheritance.

Allele frequency attached by ClinVar (database versions not stated): gnomAD below 0.00001 and 0.00008; TOPMed 0.00004; 1000 Genomes Project 30x 0.00031; 1000 Genomes Project 0.00040.

Submission:

Illumina Laboratory Services, Illumina
Classification: Likely benign for Retinitis pigmentosa. Last evaluated: 2018-01-12. Review status: criteria provided, single submitter. Criteria: ICSL Variant Classification Criteria 13 December 2019. Collection method: clinical testing. Allele origin: germline.
Comment: This variant was observed in the ICSL laboratory as part of a predisposition screen in an ostensibly healthy population. It had not been previously curated by ICSL or reported in the Human Gene Mutation Database (HGMD: prior to June 1st, 2018), and was therefore a candidate for classification through an automated scoring system. Utilizing variant allele frequency, disease prevalence and penetrance estimates, and inheritance mode, an automated score was calculated to assess if this variant is too frequent to cause the disease. Based on the score and internal cut-off values, a variant classified as likely benign is not then subjected to further curation. The score for this variant resulted in a classification of likely benign for this disease.

NM_001354768.3(NRL):c.*472C>T

Gene: NRL (neural retina leucine zipper; minus strand). Cytogenetic location: 14q11.2.
Variant type: single nucleotide variant.
Coding change: c.*472C>T on transcript NM_001354768.3 (MANE Select); 472 bases downstream of the stop codon, C replaced by T.
Molecular consequence: 3 prime UTR variant.
Genome position (GRCh38, 1-based): chr14:24,080,764, G>A on the plus strand (C>T on the coding strand, the complement: NRL is on the minus strand). VCF-style: chr14-24080764-G-A. GRCh37 (hg19) VCF-style: chr14-24549973-G-A.
Other names: c.*472C>T (NM_001354769.1, NM_001354770.2, NM_006177.5).
Identifiers: ClinVar variation 312933 (VCV000312933.5), dbSNP rs555330815, ClinGen allele CA10640008.